The following is an entry in ClinVar:

NM_024757.5(EHMT1):c.905A>G (p.Lys302Arg)

Gene: EHMT1 (euchromatic histone lysine methyltransferase 1; plus strand). Cytogenetic location: 9q34.3.
Variant type: single nucleotide variant.
Coding change: c.905A>G on transcript NM_024757.5 (MANE Select); coding-DNA position 905, A replaced by G.
Protein change: p.Lys302Arg; replaces lysine 302 with arginine.
Molecular consequence: missense variant.
Genome position (GRCh38, 1-based): chr9:137,743,452, A>G. VCF-style: chr9-137743452-A-G. GRCh37 (hg19) VCF-style: chr9-140637904-A-G.
Other names: c.905A>G, p.Lys302Arg (NM_001145527.2, NM_001354611.2); c.812A>G, p.Lys271Arg (NM_001354259.2, NM_001354612.2); c.884A>G, p.Lys295Arg (NM_001354263.2); short protein forms K302R, K271R, K295R.
Identifiers: ClinVar variation 210930 (VCV000210930.46), dbSNP rs565065320, ClinGen allele CA208650.
Genomic context (GRCh38, chr9:137,743,452, plus strand): 5'-CAGCTGCAGTATCTCGGAAGAAAAAACGAAGAATGGGAACCTATAGCCTGGTTCCTAAGA[A>G]AAAGACCAAAGTATTAAAACAGAGGACGGTGATTGAGATGTTTAAGAGCATAACTCATTC-3'
Protein context (NP_079033.4, residues 292-312): RMGTYSLVPK[Lys302Arg]KTKVLKQRTV

ClinVar aggregate classification (germline): Conflicting classifications of pathogenicity. Review status: criteria provided, conflicting classifications (1 of 4 stars). 11 submissions from 11 submitters: Uncertain significance (2); Benign (3); Likely benign (4). 2 of the submissions do not count toward it. Last evaluated 2026-08-01.

Conditions:
Inborn genetic diseases. Identifiers: MedGen C0950123, MeSH D030342.
EHMT1-related disorder. Also called: EHMT1-related condition.
Kleefstra syndrome 1 (KLEFS1). Identifiers: Orphanet 261494, MedGen C0795833, MONDO:0027407, OMIM 610253.

Allele frequency attached by ClinVar (database versions not stated): gnomAD exomes 0.00015 and 0.00021; 1000 Genomes Project 30x 0.00016; 1000 Genomes Project 0.00020; ExAC 0.00021; gnomAD 0.00022 and 0.00025; TOPMed 0.00026.
gnomAD v4.1: 263 of 1,614,072 alleles (0.016%); highest among the groups gnomAD compares: Middle Eastern, 0.43%; 2 homozygotes.

Submissions (11):

CeGaT Center for Human Genetics Tuebingen
Classification: Benign. Last evaluated: 2026-08-01. Review status: criteria provided, single submitter. Criteria: CeGaT Center For Human Genetics Tuebingen Variant Classification Criteria Version 2. Collection method: clinical testing. Allele origin: germline. Affected: yes. Observed: 3 variant alleles.
Comment: EHMT1: BS1, BS2

Labcorp Genetics (formerly Invitae), Labcorp
Classification: Benign for Kleefstra syndrome 1. Last evaluated: 2026-01-28. Review status: criteria provided, single submitter. Criteria: Invitae Variant Classification Sherloc (09022015). Collection method: clinical testing. Allele origin: germline.

PreventionGenetics, part of Exact Sciences
Classification: Likely benign for EHMT1-related condition. Last evaluated: 2026-01-28. Review status: criteria provided, single submitter. Criteria: ACMG Guidelines, 2015. Collection method: clinical testing. Allele origin: germline.
Comment: This variant is classified as likely benign based on ACMG/AMP sequence variant interpretation guidelines (Richards et al. 2015 PMID: 25741868, with internal and published modifications).

Blueprint Genetics
Classification: Likely benign. Last evaluated: 2024-09-23. Review status: criteria provided, single submitter. Criteria: ACMG Guidelines, 2015. Collection method: clinical testing. Allele origin: germline.

GeneDx
Classification: Likely benign. Last evaluated: 2021-03-15. Review status: criteria provided, single submitter. Criteria: GeneDx Variant Classification Process June 2021. Collection method: clinical testing. Allele origin: germline. Affected: yes.

Ambry Genetics
Classification: Likely benign for Inborn genetic diseases. Last evaluated: 2017-12-15. Review status: criteria provided, single submitter. Criteria: Ambry Variant Classification Scheme 2023. Collection method: clinical testing. Allele origin: germline.

Genomic Diagnostic Laboratory, Division of Genomic Diagnostics, Children's Hospital of Philadelphia
Classification: Uncertain significance. Last evaluated: 2015-11-06. Review status: criteria provided, single submitter. Criteria: DGD Variant Analysis Guidelines. Collection method: clinical testing. Allele origin: unknown.

Genetic Services Laboratory, University of Chicago
Classification: Uncertain significance. Last evaluated: 2015-04-22. Review status: criteria provided, single submitter. Criteria: ACMG Guidelines, 2015. Collection method: clinical testing. Allele origin: germline.

Laboratory of Genetics, Children's Clinical University Hospital Latvia
Classification: Benign for Kleefstra syndrome 1. Review status: criteria provided, single submitter. Criteria: ACMG Guidelines, 2015. Collection method: curation. Allele origin: germline. Affected: yes.
Comment: Inheritance unknown

Clinical Genetics DNA and cytogenetics Diagnostics Lab, Erasmus MC, Erasmus Medical Center
Classification: Likely benign. Review status: no assertion criteria provided. Collection method: clinical testing. Allele origin: germline. Affected: yes. Study: VKGL Data-share Consensus. Not counted in ClinVar's aggregate classification.

Laboratory of Diagnostic Genome Analysis, Leiden University Medical Center (LUMC)
Classification: Likely benign. Review status: no assertion criteria provided. Collection method: clinical testing. Allele origin: germline. Affected: yes. Study: VKGL Data-share Consensus. Not counted in ClinVar's aggregate classification.

Literature cited by the submitters: PubMed 39013458 (cited by Laboratory of Genetics, Children's Clinical University Hospital Latvia).